The following is an entry in ClinVar:

ClinVar aggregate classification (germline): Likely benign (1 of 4 stars; one submission).

Allele frequency attached by ClinVar (database versions not stated): 1000 Genomes Project 0.00120; 1000 Genomes Project 30x 0.00125; ExAC 0.00165; gnomAD 0.00194; TOPMed 0.00223; ESP Exome Variant Server 0.00292.
gnomAD v4.1: 2,429 of 1,611,970 alleles (0.15%); highest among the groups gnomAD compares: Middle Eastern, 1.1%; 7 homozygotes.

Submission:

CeGaT Center for Human Genetics Tuebingen
Classification: Likely benign. Last evaluated: 2022-09-01. Review status: criteria provided, single submitter. Criteria: CeGaT Center For Human Genetics Tuebingen Variant Classification Criteria Version 2. Collection method: clinical testing. Allele origin: germline. Affected: yes. Observed: 1 variant allele.
Comment: GTPBP4: BP4, BP7

NM_012341.3(GTPBP4):c.1527G>A (p.Pro509=)

Gene: GTPBP4 (GTP binding protein 4; plus strand). Cytogenetic location: 10p15.3.
Variant type: single nucleotide variant.
Coding change: c.1527G>A on transcript NM_012341.3 (MANE Select); coding-DNA position 1527, G replaced by A.
Protein change: p.Pro509=; no amino-acid change (proline 509 retained).
Molecular consequence: synonymous variant.
Genome position (GRCh38, 1-based): chr10:1,012,647, G>A. VCF-style: chr10-1012647-G-A. GRCh37 (hg19) VCF-style: chr10-1058587-G-A.
Identifiers: ClinVar variation 2640270 (VCV002640270.24), dbSNP rs61731090, ClinGen allele CA5383046.